The following is an entry in ClinVar:

ClinVar aggregate classification (germline): Benign. Review status: criteria provided, multiple submitters, no conflicts (2 of 4 stars). 4 submissions from 4 submitters: Benign (4). Last evaluated 2025-11-22.

Conditions:
Primary familial polycythemia due to EPO receptor mutation. Also called: POLYCYTHEMIA, PRIMARY FAMILIAL AND CONGENITAL; Primary Familial Congenital Polycythemia; Erythrocytosis, familial, 1; ERYTHROCYTOSIS, SOMATIC. Identifiers: Orphanet 90042, MedGen C4551637, MONDO:0007572, OMIM 133100.

Allele frequency attached by ClinVar (database versions not stated): ESP Exome Variant Server 0.00369; gnomAD 0.00398 and 0.00414; TOPMed 0.00446; 1000 Genomes Project 30x 0.00484; 1000 Genomes Project 0.00499.
gnomAD v4.1: 1,657 of 1,567,172 alleles (0.11%); highest among the groups gnomAD compares: African/African-American, 1.3%; 13 homozygotes.

Submissions (4):

Labcorp Genetics (formerly Invitae), Labcorp
Classification: Benign. Last evaluated: 2025-11-22. Review status: criteria provided, single submitter. Criteria: Invitae Variant Classification Sherloc (09022015). Collection method: clinical testing. Allele origin: germline.

CeGaT Center for Human Genetics Tuebingen
Classification: Benign. Last evaluated: 2024-01-01. Review status: criteria provided, single submitter. Criteria: CeGaT Center For Human Genetics Tuebingen Variant Classification Criteria Version 2. Collection method: clinical testing. Allele origin: germline. Affected: yes. Observed: 1 variant allele.
Comment: EPOR: BP4, BP7, BS1, BS2

Illumina Laboratory Services, Illumina
Classification: Benign for Primary familial polycythemia due to EPO receptor mutation. Last evaluated: 2018-01-13. Review status: criteria provided, single submitter. Criteria: ICSL Variant Classification Criteria 13 December 2019. Collection method: clinical testing. Allele origin: germline.
Comment: This variant was observed in the ICSL laboratory as part of a predisposition screen in an ostensibly healthy population. It had not been previously curated by ICSL or reported in the Human Gene Mutation Database (HGMD: prior to June 1st, 2018), and was therefore a candidate for classification through an automated scoring system. Utilizing variant allele frequency, disease prevalence and penetrance estimates, and inheritance mode, an automated score was calculated to assess if this variant is too frequent to cause the disease. Based on the score and internal cut-off values, a variant classified as benign is not then subjected to further curation. The score for this variant resulted in a classification of benign for this disease.

Breakthrough Genomics
Classification: Benign. Review status: criteria provided, single submitter. Criteria: ACMG Guidelines, 2015. Collection method: not provided. Allele origin: germline. Inheritance: Autosomal dominant inheritance. Affected: yes.

NM_000121.4(EPOR):c.657C>A (p.Ala219=)

Gene: EPOR (erythropoietin receptor; minus strand). Cytogenetic location: 19p13.2.
Variant type: single nucleotide variant.
Coding change: c.657C>A on transcript NM_000121.4 (MANE Select); coding-DNA position 657, C replaced by A.
Protein change: p.Ala219=; no amino-acid change (alanine 219 retained).
Molecular consequence: synonymous variant. On other transcripts: non-coding transcript variant (1).
Genome position (GRCh38, 1-based): chr19:11,381,138, G>T on the plus strand (C>A on the coding strand, the complement: EPOR is on the minus strand). VCF-style: chr19-11381138-G-T. GRCh37 (hg19) VCF-style: chr19-11491814-G-T.
Identifiers: ClinVar variation 328148 (VCV000328148.35), dbSNP rs61729384, ClinGen allele CA9210685.
Genomic context (GRCh38, chr19:11,381,138, plus strand): 5'-AGGCTCCGACCAGGCGCTCCAGAAGCCGCCGAAGCTCGGCTCAGCCATACGCGCGCGGAC[G>T]GCGAAGGTGTAGCGCGTCCGGCCCCGCAGGTTGCTCAGCACACACTCGGTGCGGCCCTCC-3'
Protein context (NP_000112.1, residues 209-229): NLRGRTRYTF[Ala219=]VRARMAEPSF